The following is an entry in ClinVar:

ClinVar aggregate classification (germline): Likely pathogenic (1 of 4 stars; one submission).

Allele frequency attached by ClinVar (database versions not stated): gnomAD exomes below 0.00001.
gnomAD v4.1: 1 of 1,587,274 alleles (0.000063%); highest among the groups gnomAD compares: Non-Finnish European, 0.000086%; no homozygotes.

Submission:

Labcorp Genetics (formerly Invitae), Labcorp
Classification: Likely pathogenic. Last evaluated: 2021-08-31. Review status: criteria provided, single submitter. Criteria: Invitae Variant Classification Sherloc (09022015). Collection method: clinical testing. Allele origin: germline.
Comment: This sequence change affects a donor splice site in intron 7 of the PLK4 gene. It is expected to disrupt RNA splicing. Variants that disrupt the donor or acceptor splice site typically lead to a loss of protein function (PMID: 16199547), and loss-of-function variants in PLK4 are known to be pathogenic (PMID: 25320347, 30842647). This variant is not present in population databases (ExAC no frequency). This variant has not been reported in the literature in individuals affected with PLK4-related conditions. Algorithms developed to predict the effect of sequence changes on RNA splicing suggest that this variant may disrupt the consensus splice site. In summary, the currently available evidence indicates that the variant is pathogenic, but additional data are needed to prove that conclusively. Therefore, this variant has been classified as Likely Pathogenic.

Literature cited by the submitters: PubMed 16199547; PubMed 25320347; PubMed 30842647.

NM_014264.5(PLK4):c.1830+1G>A

Gene: PLK4 (polo like kinase 4; plus strand). Cytogenetic location: 4q28.1.
Variant type: single nucleotide variant.
Coding change: c.1830+1G>A on transcript NM_014264.5 (MANE Select); the canonical splice donor site of the intron after coding-DNA position 1830, G replaced by A.
Molecular consequence: splice donor variant.
Genome position (GRCh38, 1-based): chr4:127,890,237, G>A. VCF-style: chr4-127890237-G-A. GRCh37 (hg19) VCF-style: chr4-128811392-G-A.
Other names: c.1734+1G>A (NM_001190799.2); c.1707+1G>A (NM_001190801.2).
Identifiers: ClinVar variation 1011819 (VCV001011819.5), dbSNP rs1735304403, ClinGen allele CA358157618.